The following is an entry in ClinVar:

NM_000051.4(ATM):c.4146A>G (p.Pro1382=)

Gene: ATM (ATM serine/threonine kinase; plus strand). Cytogenetic location: 11q22.3.
Variant type: single nucleotide variant.
Coding change: c.4146A>G on transcript NM_000051.4 (MANE Select); coding-DNA position 4146, A replaced by G.
Protein change: p.Pro1382=; no amino-acid change (proline 1382 retained).
Molecular consequence: synonymous variant.
Genome position (GRCh38, 1-based): chr11:108,289,013, A>G. VCF-style: chr11-108289013-A-G. GRCh37 (hg19) VCF-style: chr11-108159740-A-G.
Other names: NP_000042.3:p.Pro1382=; c.4146A>G, p.Pro1382= (NM_001351834.2).
Identifiers: ClinVar variation 185040 (VCV000185040.38), dbSNP rs147738621, ClinGen allele CA190848.
Genomic context (GRCh38, chr11:108,289,013, plus strand): 5'-TATTTTTTCCCTTAACTCTGTTAGGGATTTGGATCCTGCTCCTAATCCACCTCATTTTCC[A>G]TCGCATGTGATTAAAGCAACATTTGCCTATATCAGCAATTGTCATAAAACCAAGTTAAAA-3'
Protein context (NP_000042.3, residues 1372-1392): LDPAPNPPHF[Pro1382=]SHVIKATFAY

ClinVar aggregate classification (germline): Benign/Likely benign. Review status: criteria provided, multiple submitters, no conflicts (2 of 4 stars). 12 submissions from 12 submitters: Benign (3); Likely benign (9). Last evaluated 2026-01-04.

Conditions:
ATM-related cancer predisposition. Also called: ATM-related cancer susceptibility. Identifiers: MedGen CN377759, MONDO:0700270.
Hereditary cancer-predisposing syndrome. Also called: Tumor predisposition; Neoplastic Syndromes, Hereditary; Hereditary Cancer Syndrome; Hereditary neoplastic syndrome. Identifiers: Orphanet 140162, MedGen C0027672, MeSH D009386, MONDO:0015356.
Hereditary breast ovarian cancer syndrome. Also called: Hereditary breast and ovarian cancer; Hereditary breast and ovarian cancer syndrome (HBOC); Breast and ovarian cancer; Hereditary breast and/or ovarian cancer syndrome; BRCA1- and BRCA2-Associated Hereditary Breast and Ovarian Cancer; Hereditary breast and ovarian cancer syndrome. Identifiers: Orphanet 145, MedGen C0677776, MeSH D061325, MONDO:0003582. Disease mechanism: loss of function.
Familial cancer of breast. Also called: hereditary breast carcinoma; BREAST CANCER, FAMILIAL; Hereditary breast cancer. Identifiers: Orphanet 227535, MedGen C0346153, MONDO:0016419, OMIM 114480. Disease mechanism: loss of function.
Ataxia-telangiectasia syndrome (AT). Also called: LOUIS-BAR SYNDROME; Ataxia-telangiectasia, complementation group D; Ataxia telangiectasia (A-T); AT, COMPLEMENTATION GROUP C; ATAXIA-TELANGIECTASIA, COMPLEMENTATION GROUP A; ATAXIA-TELANGIECTASIA, FRESNO VARIANT. Identifiers: Orphanet 100, MedGen C0004135, MONDO:0008840, OMIM 208900.

Allele frequency attached by ClinVar (database versions not stated): gnomAD exomes 0.00001; ExAC 0.00002; TOPMed 0.00002; gnomAD 0.00003 and 0.00004; ESP Exome Variant Server 0.00008.
gnomAD v4.1: 16 of 1,613,490 alleles (0.00099%); highest among the groups gnomAD compares: African/African-American, 0.017%; no homozygotes.

Submissions (12):

Labcorp Genetics (formerly Invitae), Labcorp
Classification: Likely benign for Ataxia-telangiectasia syndrome. Last evaluated: 2026-01-04. Review status: criteria provided, single submitter. Criteria: Invitae Variant Classification Sherloc (09022015). Collection method: clinical testing. Allele origin: germline.

CeGaT Center for Human Genetics Tuebingen
Classification: Likely benign. Last evaluated: 2024-10-01. Review status: criteria provided, single submitter. Criteria: CeGaT Center For Human Genetics Tuebingen Variant Classification Criteria Version 2. Collection method: clinical testing. Allele origin: germline. Affected: yes. Observed: 1 variant allele.
Comment: ATM: BP4, BP7

Myriad Genetics, Inc.
Classification: Benign for Familial cancer of breast. Last evaluated: 2024-05-16. Review status: criteria provided, single submitter. Criteria: Myriad Autosomal Dominant, Autosomal Recessive and X-Linked Classification Criteria (2023). Collection method: clinical testing. Allele origin: unknown.
Comment: This variant is considered benign. This variant is a silent/synonymous amino acid change and it is not expected to impact splicing.

Blueprint Genetics
Classification: Likely benign. Last evaluated: 2023-12-20. Review status: criteria provided, single submitter. Criteria: ACMG Guidelines, 2015. Collection method: clinical testing. Allele origin: germline.

KCCC/NGS Laboratory, Kuwait Cancer Control Center
Classification: Benign for Familial cancer of breast. Last evaluated: 2023-07-07. Review status: criteria provided, single submitter. Criteria: ACMG Guidelines, 2015. Collection method: clinical testing. Allele origin: germline. Affected: yes.

National Health Laboratory Service, Universitas Academic Hospital and University of the Free State
Classification: Likely benign for Hereditary breast ovarian cancer syndrome. Last evaluated: 2022-04-19. Review status: criteria provided, single submitter. Criteria: ACMG Guidelines, 2015. Collection method: clinical testing. Allele origin: germline. Affected: yes. Observed: 2 variant alleles.

Department of Pathology and Laboratory Medicine, Sinai Health System
Classification: Likely benign for ATM-related cancer predisposition. Last evaluated: 2021-11-09. Review status: criteria provided, single submitter. Criteria: ACMG Guidelines, 2015. Collection method: clinical testing. Allele origin: germline.

Sema4
Classification: Likely benign for Hereditary cancer-predisposing syndrome. Last evaluated: 2021-11-01. Review status: criteria provided, single submitter. Criteria: Sema4 Curation Guidelines. Collection method: curation. Allele origin: germline.

Women's Health and Genetics/Laboratory Corporation of America, LabCorp
Classification: Likely benign. Last evaluated: 2021-08-13. Review status: criteria provided, single submitter. Criteria: LabCorp Variant Classification Summary - May 2015. Collection method: clinical testing. Allele origin: germline.

Color Diagnostics, LLC DBA Color Health
Classification: Likely benign for Hereditary cancer-predisposing syndrome. Last evaluated: 2017-10-26. Review status: criteria provided, single submitter. Criteria: ACMG Guidelines, 2015. Collection method: clinical testing. Allele origin: germline.

GeneDx
Classification: Benign. Last evaluated: 2015-08-25. Review status: criteria provided, single submitter. Criteria: GeneDx Variant Classification (06012015). Collection method: clinical testing. Allele origin: germline. Affected: yes.
Comment: This variant is considered likely benign or benign based on one or more of the following criteria: it is a conservative change, it occurs at a poorly conserved position in the protein, it is predicted to be benign by multiple in silico algorithms, and/or has population frequency not consistent with disease.

Ambry Genetics
Classification: Likely benign for Hereditary cancer-predisposing syndrome. Last evaluated: 2014-06-23. Review status: criteria provided, single submitter. Criteria: Ambry Variant Classification Scheme 2023. Collection method: clinical testing. Allele origin: germline.